The following is an entry in ClinVar:

NM_000632.4(ITGAM):c.3274dup (p.Gln1092fs)

Gene: ITGAM (integrin subunit alpha M; plus strand). Cytogenetic location: 16p11.2.
Variant type: Duplication.
Coding change: c.3274dup on transcript NM_000632.4 (MANE Select); coding-DNA position 3274, one base duplicated (C; older notation c.3274dupC).
Protein change: p.Gln1092fs; shifts the reading frame from glutamine 1092.
Molecular consequence: frameshift variant.
Genome position (GRCh38, 1-based): chr16:31,330,603, C duplicated; the last of 3 consecutive C bases (chr16:31,330,601-31,330,603); duplicating any one gives the same sequence. VCF-style (leftmost placement, unchanged base first): chr16-31330600-T-TC. GRCh37 (hg19) VCF-style: chr16-31341921-T-TC.
Other names: c.3277dup, p.Gln1093fs (NM_001145808.2); short protein forms Q1093fs, Q1092fs.
Identifiers: ClinVar variation 2107282 (VCV002107282.4), dbSNP rs2544509085, ClinGen allele CA2580091527.

ClinVar aggregate classification (germline): Uncertain significance (1 of 4 stars; one submission).

Submission:

Labcorp Genetics (formerly Invitae), Labcorp
Classification: Uncertain significance. Last evaluated: 2024-04-10. Review status: criteria provided, single submitter. Criteria: Invitae Variant Classification Sherloc (09022015). Collection method: clinical testing. Allele origin: germline.
Comment: This sequence change creates a premature translational stop signal (p.Gln1092Profs*52) in the ITGAM gene. While this is not anticipated to result in nonsense mediated decay, it is expected to disrupt the last 61 amino acid(s) of the ITGAM protein. This variant is not present in population databases (gnomAD no frequency). This variant has not been reported in the literature in individuals affected with ITGAM-related conditions. ClinVar contains an entry for this variant (Variation ID: 2107282). In summary, the available evidence is currently insufficient to determine the role of this variant in disease. Therefore, it has been classified as a Variant of Uncertain Significance.